The following is an entry in ClinVar:

ClinVar aggregate classification (germline): Benign/Likely benign. Review status: criteria provided, multiple submitters, no conflicts (2 of 4 stars). 9 submissions from 8 submitters: Benign (6); Likely benign (3). Last evaluated 2026-01-28.

Conditions:
Autosomal dominant nonsyndromic hearing loss 20. Identifiers: Orphanet 90635, MedGen C1858172, MONDO:0011480, OMIM 604717.
Baraitser-winter syndrome 2. Identifiers: Orphanet 2995, MedGen C3281235, MONDO:0013812, OMIM 614583.

Allele frequency attached by ClinVar (database versions not stated): gnomAD exomes 0.00025 and 0.00071; ExAC 0.00093; gnomAD 0.00271 and 0.00287; TOPMed 0.00305; ESP Exome Variant Server 0.00315; 1000 Genomes Project 0.00499; 1000 Genomes Project 30x 0.00500.
gnomAD v4.1: 800 of 1,613,860 alleles (0.05%); highest among the groups gnomAD compares: African/African-American, 0.95%; 1 homozygote.

Submissions (9):

Labcorp Genetics (formerly Invitae), Labcorp
Classification: Benign for Baraitser-winter syndrome 2; Autosomal dominant nonsyndromic hearing loss 20. Last evaluated: 2026-01-28. Review status: criteria provided, single submitter. Criteria: Invitae Variant Classification Sherloc (09022015). Collection method: clinical testing. Allele origin: germline.

Athena Diagnostics
Classification: Benign. Last evaluated: 2024-07-30. Review status: criteria provided, single submitter. Criteria: Athena Diagnostics Criteria. Collection method: clinical testing. Allele origin: unknown.

Blueprint Genetics
Classification: Likely benign. Last evaluated: 2024-07-19. Review status: criteria provided, single submitter. Criteria: ACMG Guidelines, 2015. Collection method: clinical testing. Allele origin: germline.

CeGaT Center for Human Genetics Tuebingen
Classification: Likely benign. Last evaluated: 2023-05-01. Review status: criteria provided, single submitter. Criteria: CeGaT Center For Human Genetics Tuebingen Variant Classification Criteria Version 2. Collection method: clinical testing. Allele origin: germline. Affected: yes. Observed: 1 variant allele.
Comment: ACTG1: BP4, BP7

Genome-Nilou Lab
Classification: Benign for Baraitser-winter syndrome 2. Last evaluated: 2021-12-05. Review status: criteria provided, single submitter. Criteria: ACMG Guidelines, 2015. Collection method: clinical testing. Allele origin: germline. Affected: no.

Genome-Nilou Lab
Classification: Benign for Autosomal dominant nonsyndromic hearing loss 20. Last evaluated: 2021-12-05. Review status: criteria provided, single submitter. Criteria: ACMG Guidelines, 2015. Collection method: clinical testing. Allele origin: germline. Affected: no.

GeneDx
Classification: Benign. Last evaluated: 2016-06-29. Review status: criteria provided, single submitter. Criteria: GeneDx Variant Classification (06012015). Collection method: clinical testing. Allele origin: germline. Affected: yes.
Comment: This variant is considered likely benign or benign based on one or more of the following criteria: it is a conservative change, it occurs at a poorly conserved position in the protein, it is predicted to be benign by multiple in silico algorithms, and/or has population frequency not consistent with disease.

Genetic Services Laboratory, University of Chicago
Classification: Likely benign. Last evaluated: 2015-07-29. Review status: criteria provided, single submitter. Criteria: ACMG Guidelines, 2015. Collection method: clinical testing. Allele origin: germline.

Laboratory for Molecular Medicine, Mass General Brigham Personalized Medicine
Classification: Benign. Last evaluated: 2012-04-30. Review status: criteria provided, single submitter. Criteria: LMM Criteria. Collection method: clinical testing. Allele origin: germline. Observed: 1 variant allele.
Comment: Lys238Lys in Exon 04 of ACTG1: This variant is not expected to have clinical sig nificance because it does not alter an amino acid residue, is not located within the splice consensus sequence, and has been identified in 1.0% (36/3736) of Afr ican American chromosomes from a broad population by the NHLBI Exome Sequencing Project (dbSNP rs11549173).

NM_001614.5(ACTG1):c.714G>A (p.Lys238=)

Gene: ACTG1 (actin gamma 1; minus strand). Cytogenetic location: 17q25.3.
Variant type: single nucleotide variant.
Coding change: c.714G>A on transcript NM_001614.5 (MANE Select); coding-DNA position 714, G replaced by A.
Protein change: p.Lys238=; no amino-acid change (lysine 238 retained).
Molecular consequence: synonymous variant. On other transcripts: non-coding transcript variant (1).
Genome position (GRCh38, 1-based): chr17:81,511,276, C>T on the plus strand (G>A on the coding strand, the complement: ACTG1 is on the minus strand). VCF-style: chr17-81511276-C-T. GRCh37 (hg19) VCF-style: chr17-79478302-C-T.
Other names: c.714G>A, p.Lys238= (NM_001199954.3).
Identifiers: ClinVar variation 210094 (VCV000210094.48), dbSNP rs11549173, ClinGen allele CA207694.